The following is an entry in ClinVar:

NM_001201543.2(FAM161A):c.746A>G (p.Gln249Arg)

Gene: FAM161A (FAM161 centrosomal protein A; minus strand). Cytogenetic location: 2p15.
Variant type: single nucleotide variant.
Coding change: c.746A>G on transcript NM_001201543.2 (MANE Select); coding-DNA position 746, A replaced by G.
Protein change: p.Gln249Arg; replaces glutamine 249 with arginine.
Molecular consequence: missense variant. On other transcripts: non-coding transcript variant (1).
Genome position (GRCh38, 1-based): chr2:61,840,258, T>C on the plus strand (A>G on the coding strand, the complement: FAM161A is on the minus strand). VCF-style: chr2-61840258-T-C. GRCh37 (hg19) VCF-style: chr2-62067393-T-C.
Other names: c.746A>G, p.Gln249Arg (NM_032180.3); c.746A>G (NM_001201543.1); short protein forms Q249R.
Identifiers: ClinVar variation 896011 (VCV000896011.7), dbSNP rs192864749, ClinGen allele CA1679290.

ClinVar aggregate classification (germline): Uncertain significance. Review status: criteria provided, multiple submitters, no conflicts (2 of 4 stars). 4 submissions from 4 submitters: Uncertain significance (4). Last evaluated 2024-12-03.

Conditions:
Retinitis pigmentosa (RP). Identifiers: Orphanet 791, MedGen C0035334, MeSH D012174, MONDO:0019200, OMIM 268000. Inheritance: Autosomal dominant, autosomal recessive and X linked inheritance.
Inborn genetic diseases. Identifiers: MedGen C0950123, MeSH D030342.

Allele frequency attached by ClinVar (database versions not stated): ExAC 0.00001; gnomAD 0.00001; gnomAD exomes 0.00001 and 0.00002; TOPMed 0.00001; 1000 Genomes Project 30x 0.00016; 1000 Genomes Project 0.00020.
gnomAD v4.1: 25 of 1,614,110 alleles (0.0015%); highest among the groups gnomAD compares: Non-Finnish European, 0.0019%; no homozygotes.

Submissions (4):

Ambry Genetics
Classification: Uncertain significance for Inborn genetic diseases. Last evaluated: 2024-12-03. Review status: criteria provided, single submitter. Criteria: Ambry Variant Classification Scheme 2023. Collection method: clinical testing. Allele origin: germline.

Blueprint Genetics
Classification: Uncertain significance. Last evaluated: 2023-03-31. Review status: criteria provided, single submitter. Criteria: ACMG Guidelines, 2015. Collection method: clinical testing. Allele origin: germline.

Labcorp Genetics (formerly Invitae), Labcorp
Classification: Uncertain significance. Last evaluated: 2022-05-25. Review status: criteria provided, single submitter. Criteria: Invitae Variant Classification Sherloc (09022015). Collection method: clinical testing. Allele origin: germline.
Comment: This sequence change replaces glutamine, which is neutral and polar, with arginine, which is basic and polar, at codon 249 of the FAM161A protein (p.Gln249Arg). This variant is present in population databases (rs192864749, gnomAD 0.003%). This variant has not been reported in the literature in individuals affected with FAM161A-related conditions. ClinVar contains an entry for this variant (Variation ID: 896011). Algorithms developed to predict the effect of missense changes on protein structure and function are either unavailable or do not agree on the potential impact of this missense change (SIFT: "Tolerated"; PolyPhen-2: "Probably Damaging"; Align-GVGD: "Class C0"). In summary, the available evidence is currently insufficient to determine the role of this variant in disease. Therefore, it has been classified as a Variant of Uncertain Significance.

Illumina Laboratory Services, Illumina
Classification: Uncertain significance for Retinitis pigmentosa. Last evaluated: 2018-01-12. Review status: criteria provided, single submitter. Criteria: ICSL Variant Classification Criteria 13 December 2019. Collection method: clinical testing. Allele origin: germline.